The following is an entry in ClinVar:

NM_005198.5(CHKB):c.447+4C>T

Genes: CHKB (choline kinase beta; minus strand), CHKB-CPT1B (CHKB-CPT1B readthrough (NMD candidate); minus strand). Cytogenetic location: 22q13.33.
Variant type: single nucleotide variant.
Coding change: c.447+4C>T on transcript NM_005198.5 (MANE Select); 4 bases into the intron after coding-DNA position 447, C replaced by T.
Molecular consequence: intron variant.
Genome position (GRCh38, 1-based): chr22:50,581,745, G>A on the plus strand (C>T on the coding strand, the complement: CHKB is on the minus strand). VCF-style: chr22-50581745-G-A. GRCh37 (hg19) VCF-style: chr22-51020174-G-A.
Identifiers: ClinVar variation 2634957 (VCV002634957.1), dbSNP rs375161469, ClinGen allele CA10323781.

ClinVar aggregate classification (germline): Uncertain significance (1 of 4 stars; one submission).

Conditions:
CHKB-related disorder. Also called: CHKB-related condition.

Allele frequency attached by ClinVar (database versions not stated): gnomAD 0.00006; TOPMed 0.00006; ESP Exome Variant Server 0.00008; 1000 Genomes Project 0.00020; 1000 Genomes Project 30x 0.00031.
gnomAD v4.1: 18 of 1,612,932 alleles (0.0011%); highest among the groups gnomAD compares: African/African-American, 0.016%; no homozygotes.

Submission:

PreventionGenetics, part of Exact Sciences
Classification: Uncertain significance for CHKB-related condition. Last evaluated: 2023-08-10. Review status: criteria provided, single submitter. Criteria: ACMG Guidelines, 2015. Collection method: clinical testing. Allele origin: germline.
Comment: The CHKB c.447+4C>T variant is predicted to interfere with splicing. To our knowledge, this variant has not been reported in the literature. This variant is reported in 0.024% of alleles in individuals of African descent in gnomAD. At this time, the clinical significance of this variant is uncertain due to the absence of conclusive functional and genetic evidence.